The following is an entry in ClinVar:

ClinVar aggregate classification (germline): Uncertain significance (1 of 4 stars; one submission).

gnomAD v4.1: 1 of 1,613,884 alleles (0.000062%); no homozygotes.

Submission:

Dasa
Classification: Uncertain significance. Last evaluated: 2026-04-22. Review status: criteria provided, single submitter. Criteria: DASA Assertion Criteria. Collection method: clinical testing. Allele origin: germline.
Comment: NM_003482.4(KMT2D):c.5563C>T (p.Pro1855Ser) is a missense variant that results in the substitution of proline with serine. This variant is rare in population databases. The currently available literature and clinical evidence are not sufficient to establish a definitive association between this variant and the reported condition. Therefore, this variant is classified as a variant of uncertain significance.

NM_003482.4(KMT2D):c.5563C>T (p.Pro1855Ser)

Gene: KMT2D (lysine methyltransferase 2D; minus strand). Cytogenetic location: 12q13.12.
Variant type: single nucleotide variant.
Coding change: c.5563C>T on transcript NM_003482.4 (MANE Select); coding-DNA position 5563, C replaced by T.
Protein change: p.Pro1855Ser; replaces proline 1855 with serine.
Molecular consequence: missense variant.
Genome position (GRCh38, 1-based): chr12:49,043,157, G>A on the plus strand (C>T on the coding strand, the complement: KMT2D is on the minus strand). VCF-style: chr12-49043157-G-A. GRCh37 (hg19) VCF-style: chr12-49436940-G-A.
Other names: short protein forms P1855S.
Identifiers: ClinVar variation 4885747 (VCV004885747.2).